The following is an entry in ClinVar:

NM_139159.5(DPP9):c.936C>T (p.Ser312=)

Gene: DPP9 (dipeptidyl peptidase 9; minus strand). Cytogenetic location: 19p13.3.
Variant type: single nucleotide variant.
Coding change: c.936C>T on transcript NM_139159.5 (MANE Select); coding-DNA position 936, C replaced by T.
Protein change: p.Ser312=; no amino-acid change (serine 312 retained).
Molecular consequence: synonymous variant. On other transcripts: non-coding transcript variant (11).
Genome position (GRCh38, 1-based): chr19:4,702,103, G>A on the plus strand (C>T on the coding strand, the complement: DPP9 is on the minus strand). VCF-style: chr19-4702103-G-A. GRCh37 (hg19) VCF-style: chr19-4702115-G-A.
Other names: c.936C>T, p.Ser312= (NM_001365987.2, NM_001384611.1, NM_001384612.1 and 18 more transcripts); c.903C>T, p.Ser301= (NM_001384619.1); c.849C>T, p.Ser283= (NM_001384623.1, NM_001384624.1, NM_001384625.1 and 4 more transcripts).
Identifiers: ClinVar variation 3388838 (VCV003388838.14).

ClinVar aggregate classification (germline): Likely benign (1 of 4 stars; one submission).

gnomAD v4.1: 42 of 1,613,758 alleles (0.0026%); highest among the groups gnomAD compares: South Asian, 0.0044%; no homozygotes.

Submission:

CeGaT Center for Human Genetics Tuebingen
Classification: Likely benign. Last evaluated: 2024-09-01. Review status: criteria provided, single submitter. Criteria: CeGaT Center For Human Genetics Tuebingen Variant Classification Criteria Version 2. Collection method: clinical testing. Allele origin: germline. Affected: yes. Observed: 1 variant allele.
Comment: DPP9: BP4, BP7